The following is an entry in ClinVar:

ClinVar aggregate classification (germline): Uncertain significance (1 of 4 stars; one submission).

gnomAD v4.1: 1 of 1,614,140 alleles (0.000062%); highest among the groups gnomAD compares: Non-Finnish European, 0.000085%; no homozygotes.

Submission:

GeneDx
Classification: Uncertain significance. Last evaluated: 2019-11-30. Review status: criteria provided, single submitter. Criteria: GeneDx Variant Classification Process June 2021. Collection method: clinical testing. Allele origin: germline. Affected: yes.
Comment: Not observed in large population cohorts (Lek et al., 2016); In silico analysis, which includes splice predictors and evolutionary conservation, supports a deleterious effect; Has not been previously published as pathogenic or benign to our knowledge

NM_001253852.3(AP4B1):c.1511-6C>G

Genes: AP4B1 (adaptor related protein complex 4 subunit beta 1; minus strand), AP4B1-AS1 (AP4B1 antisense RNA 1; plus strand). Cytogenetic location: 1p13.2.
Variant type: single nucleotide variant.
Coding change: c.1511-6C>G on transcript NM_001253852.3 (MANE Select); 6 bases into the intron before coding-DNA position 1511, C replaced by G.
Molecular consequence: intron variant.
Genome position (GRCh38, 1-based): chr1:113,896,044, G>C on the plus strand (C>G on the coding strand, the complement: AP4B1 is on the minus strand). VCF-style: chr1-113896044-G-C. GRCh37 (hg19) VCF-style: chr1-114438666-G-C.
Other names: c.1214-6C>G (NM_001253853.3); c.1511-6C>G (NM_006594.5); c.1007-6C>G (NM_001308312.2).
Identifiers: ClinVar variation 1310570 (VCV001310570.2), dbSNP rs759015795, ClinGen allele CA1189945965.